The following is an entry in ClinVar:

ClinVar aggregate classification (germline): Pathogenic (1 of 4 stars; one submission).

Conditions:
Mucopolysaccharidosis, MPS-II (MPS2). Also called: Hunter Syndrome; IDURONATE 2-SULFATASE DEFICIENCY; Mucopolysaccharidosis Type II; Mucopolysaccharidosis type 2; Attenuated MPS (subtype; formerly known as mild MPS II); Severe MPS II. Identifiers: Orphanet 580, Orphanet 79388, MedGen C0026705, MONDO:0010674, OMIM 309900.

Submission:

Laboratory of Diagnosis and Therapy of Lysosomal Disorders, University of Padova
Classification: Pathogenic for Mucopolysaccharidosis, MPS-II. Last evaluated: 2024-06-07. Review status: criteria provided, single submitter. Criteria: ACMG Guidelines, 2015. Collection method: literature only. Allele origin: germline. Affected: yes. Observed: 1 variant allele.
Comment: Null variant (PVS1_VeryStrong), Absent from controls (or at low frequency) in gnomAD database (PM2_Moderate), Patient’s phenotype or family history highly specific for the disease (PP4_Strong)

Classification method: ACMG Guidelines [PMID:25741868] with modifications

Literature cited by the submitters: PubMed 36945845.

NM_000202.8(IDS):c.1007_1046del

Genes: IDS (iduronate 2-sulfatase; minus strand), LOC106050102 (IDS recombination region; plus strand). Cytogenetic location: Xq28.
Variant type: Deletion.
Coding change: c.1007_1046del on transcript NM_000202.8 (MANE Select); coding-DNA positions 1007 to 1046, 40 bases deleted.
Molecular consequence: splice acceptor variant.
Genome position (GRCh38, 1-based): chrX:149,487,059-149,487,098, 40 bases deleted; deleting any 40 consecutive bases within chrX:149,487,059-149,487,100 gives the same sequence; the c. name uses the placement nearest the transcript's 3' end. GRCh37 (hg19): chrX:148,568,592-148,568,631.
Identifiers: ClinVar variation 3255910 (VCV003255910.2).